The following is an entry in ClinVar:

ClinVar aggregate classification (germline): Uncertain significance. Review status: criteria provided, multiple submitters, no conflicts (2 of 4 stars). 4 submissions from 4 submitters: Uncertain significance (4). Last evaluated 2026-03-24.

Conditions:
OPTN-related disorder. Also called: OPTN-related disorders; OPTN-related condition.
Amyotrophic lateral sclerosis type 12 (ALS12). Also called: AMYOTROPHIC LATERAL SCLEROSIS 12 WITH OR WITHOUT FRONTOTEMPORAL DEMENTIA. Identifiers: Orphanet 803, MedGen C3150692, MONDO:0013264, OMIM 613435.
Primary open angle glaucoma (POAG). Also called: OPTN-related open angle glaucoma. Identifiers: MedGen C0339573, MONDO:0100553, OMIM 137760.
Glaucoma 1, open angle, E. Identifiers: MedGen C1842026, MONDO:0007665.

Allele frequency attached by ClinVar (database versions not stated): gnomAD 0.00001; gnomAD exomes 0.00001; TOPMed 0.00003.
gnomAD v4.1: 20 of 1,614,052 alleles (0.0012%); highest among the groups gnomAD compares: South Asian, 0.0033%; no homozygotes.

Submissions (4):

Women's Health and Genetics/Laboratory Corporation of America, LabCorp
Classification: Uncertain significance. Last evaluated: 2026-03-24. Review status: criteria provided, single submitter. Criteria: LabCorp Variant Classification Summary - May 2015. Collection method: clinical testing. Allele origin: germline.
Comment: Variant summary: OPTN c.1714G>A (p.Val572Met) results in a conservative amino acid change in the encoded protein sequence. Algorithms developed to predict the effect of missense changes on protein structure and function are either unavailable or do not agree on the potential impact of this missense change. The variant allele was found at a frequency of 4e-06 in 251486 control chromosomes. The available data on variant occurrences in the general population are insufficient to allow any conclusion about variant significance. c.1714G>A has been observed in individual(s) affected with OPTN-Related Disorders (Leighton_2024). These report(s) do not provide unequivocal conclusions about association of the variant with OPTN-Related Disorders. To our knowledge, no experimental evidence demonstrating an impact on protein function has been reported. The following publication have been ascertained in the context of this evaluation (PMID: 38852112). ClinVar contains an entry for this variant (Variation ID: 2164902). Based on the evidence outlined above, the variant was classified as uncertain significance.

PreventionGenetics, part of Exact Sciences
Classification: Uncertain significance for OPTN-related condition. Last evaluated: 2025-09-23. Review status: criteria provided, single submitter. Criteria: ACMG Guidelines, 2015. Collection method: clinical testing. Allele origin: germline.
Comment: The OPTN c.1714G>A variant is predicted to result in the amino acid substitution p.Val572Met. This variant was reported in the heterozygous state in an individual with amyotrophic lateral sclerosis (Supp. Table 4. Fiorini et al. 2023. PubMed ID: 40225153). This variant is reported in 0.00088% of alleles in individuals of European (non-Finnish) descent in gnomAD. At this time, the clinical significance of this variant is uncertain due to the absence of conclusive functional and genetic evidence.

Labcorp Genetics (formerly Invitae), Labcorp
Classification: Uncertain significance for Primary open angle glaucoma; Glaucoma 1, open angle, E; Amyotrophic lateral sclerosis type 12. Last evaluated: 2025-07-05. Review status: criteria provided, single submitter. Criteria: Invitae Variant Classification Sherloc (09022015). Collection method: clinical testing. Allele origin: germline.
Comment: This sequence change replaces valine, which is neutral and non-polar, with methionine, which is neutral and non-polar, at codon 572 of the OPTN protein (p.Val572Met). This variant is present in population databases (no rsID available, gnomAD 0.0009%). This variant has not been reported in the literature in individuals affected with OPTN-related conditions. ClinVar contains an entry for this variant (Variation ID: 2164902). Invitae Evidence Modeling of protein sequence and biophysical properties (such as structural, functional, and spatial information, amino acid conservation, physicochemical variation, residue mobility, and thermodynamic stability) has been performed for this missense variant. However, the output from this modeling did not meet the statistical confidence thresholds required to predict the impact of this variant on OPTN protein function. In summary, the available evidence is currently insufficient to determine the role of this variant in disease. Therefore, it has been classified as a Variant of Uncertain Significance.

Dasa
Classification: Uncertain significance. Last evaluated: 2025-05-05. Review status: criteria provided, single submitter. Criteria: DASA Assertion Criteria. Collection method: clinical testing. Allele origin: germline.
Comment: NM_001008212.2(OPTN):c.1714G>A (p.Val572Met) is a missense variant that results in the substitution of valine with methionine. This variant is rare in population databases. Computational prediction algorithms are consistent with a deleterious effect. The currently available literature and clinical evidence are not sufficient to establish a definitive association between this variant and the reported condition. Therefore, this variant is classified as a variant of uncertain significance.

Literature cited by the submitters: PubMed 38852112 (cited by Women's Health and Genetics/Laboratory Corporation of America, LabCorp).

NM_001008212.2(OPTN):c.1714G>A (p.Val572Met)

Gene: OPTN (optineurin; plus strand). Cytogenetic location: 10p13.
Variant type: single nucleotide variant.
Coding change: c.1714G>A on transcript NM_001008212.2 (MANE Select); coding-DNA position 1714, G replaced by A.
Protein change: p.Val572Met; replaces valine 572 with methionine.
Molecular consequence: missense variant.
Genome position (GRCh38, 1-based): chr10:13,136,846, G>A. VCF-style: chr10-13136846-G-A. GRCh37 (hg19) VCF-style: chr10-13178846-G-A.
Other names: c.1714G>A, p.Val572Met (NM_001008211.1, NM_001008213.1, NM_021980.4); short protein forms V572M.
Identifiers: ClinVar variation 2164902 (VCV002164902.9), dbSNP rs1258718059, ClinGen allele CA376030855.